The following is an entry in ClinVar:

NC_000023.10:g.(?_107829825)_(107829997_?)del

Gene: COL4A5 (collagen type IV alpha 5 chain; plus strand). Cytogenetic location: Xq22.3.
Variant type: Deletion.
Identifiers: ClinVar variation 3246233 (VCV003246233.1).

ClinVar aggregate classification (germline): Pathogenic (1 of 4 stars; one submission).

Submission:

Labcorp Genetics (formerly Invitae), Labcorp
Classification: Pathogenic. Last evaluated: 2022-11-14. Review status: criteria provided, single submitter. Criteria: Invitae Variant Classification Sherloc (09022015). Collection method: clinical testing. Allele origin: unknown.
Comment: For these reasons, this variant has been classified as Pathogenic. This variant has not been reported in the literature in individuals affected with COL4A5-related conditions. This variant is a gross deletion of the genomic region encompassing exon(s) 19 of the COL4A5 gene. This deletion is out-of-frame, and is expected to create a premature termination codon and result in an absent or disrupted protein product. Loss-of-function variants in COL4A5 are known to be pathogenic (PMID: 9195222, 10752524, 14514738, 24854265, 26809805).

Literature cited by the submitters: PubMed 9195222; PubMed 10752524; PubMed 14514738; PubMed 24854265; PubMed 26809805.